The following is an entry in ClinVar:

ClinVar aggregate classification (germline): Uncertain significance (1 of 4 stars; one submission).

Submission:

Labcorp Genetics (formerly Invitae), Labcorp
Classification: Uncertain significance. Last evaluated: 2024-04-15. Review status: criteria provided, single submitter. Criteria: Invitae Variant Classification Sherloc (09022015). Collection method: clinical testing. Allele origin: germline.
Comment: This sequence change replaces serine, which is neutral and polar, with threonine, which is neutral and polar, at codon 413 of the SLC12A6 protein (p.Ser413Thr). This variant is not present in population databases (gnomAD no frequency). This variant has not been reported in the literature in individuals affected with SLC12A6-related conditions. Advanced modeling of protein sequence and biophysical properties (such as structural, functional, and spatial information, amino acid conservation, physicochemical variation, residue mobility, and thermodynamic stability) performed at Invitae indicates that this missense variant is not expected to disrupt SLC12A6 protein function with a negative predictive value of 80%. In summary, the available evidence is currently insufficient to determine the role of this variant in disease. Therefore, it has been classified as a Variant of Uncertain Significance.

NM_001365088.1(SLC12A6):c.1238G>C (p.Ser413Thr)

Gene: SLC12A6 (solute carrier family 12 member 6; minus strand). Cytogenetic location: 15q14.
Variant type: single nucleotide variant.
Coding change: c.1238G>C on transcript NM_001365088.1 (MANE Select); coding-DNA position 1238, G replaced by C.
Protein change: p.Ser413Thr; replaces serine 413 with threonine.
Molecular consequence: missense variant.
Genome position (GRCh38, 1-based): chr15:34,252,265, C>G on the plus strand (G>C on the coding strand, the complement: SLC12A6 is on the minus strand). VCF-style: chr15-34252265-C-G. GRCh37 (hg19) VCF-style: chr15-34544466-C-G.
Other names: c.1238G>C, p.Ser413Thr (NM_133647.2); c.1061G>C, p.Ser354Thr (NM_001042494.2, NM_001042495.2); c.1211G>C, p.Ser404Thr (NM_001042496.2); c.1193G>C, p.Ser398Thr (NM_001042497.2); c.1085G>C, p.Ser362Thr (NM_005135.2); short protein forms S398T, S404T, S354T, S362T, S413T.
Identifiers: ClinVar variation 3649923 (VCV003649923.2).
Genomic context (GRCh38, chr15:34,252,265, plus strand): 5'-TGGATTGAAGTGACGTTATTGTGAACAAAGTATTCATCACAGGTGGCATTGAAAAATTGA[C>G]TCGAGTTACAGAAGAATCCCCATAACTTTGATGGGACTGTCATGTTGTTAATTTCCTTGG-3'
Protein context (NP_001352017.1, residues 403-423): SKLWGFFCNS[Ser413Thr]QFFNATCDEY